The following is an entry in ClinVar:

NM_024753.5(TTC21B):c.1923A>G (p.Gln641=)

Gene: TTC21B (tetratricopeptide repeat domain 21B; minus strand). Cytogenetic location: 2q24.3.
Variant type: single nucleotide variant.
Coding change: c.1923A>G on transcript NM_024753.5 (MANE Select); coding-DNA position 1923, A replaced by G.
Protein change: p.Gln641=; no amino-acid change (glutamine 641 retained).
Molecular consequence: synonymous variant.
Genome position (GRCh38, 1-based): chr2:165,915,416, T>C on the plus strand (A>G on the coding strand, the complement: TTC21B is on the minus strand). VCF-style: chr2-165915416-T-C. GRCh37 (hg19) VCF-style: chr2-166771926-T-C.
Other names: c.1923A>G (NM_024753.4).
Identifiers: ClinVar variation 1583528 (VCV001583528.11), dbSNP rs150622892, ClinGen allele CA1941974.
Genomic context (GRCh38, chr2:165,915,416, plus strand): 5'-TGCATTAGCAATGGTAACCCGCACTTCTTCAGATGTTCCAGAAAATTCATGGATGGCATC[T>C]TGTAAAACTTTGGTTGCCTCATGCTGTAAAGATGAAATTAAAATAATCATTCTTCCAAAA-3'
Protein context (NP_079029.3, residues 631-651): GEQHEATKVL[Gln641=]DAIHEFSGTS

ClinVar aggregate classification (germline): Likely benign. Review status: criteria provided, multiple submitters, no conflicts (2 of 4 stars). 3 submissions from 3 submitters: Likely benign (2). 1 of the submissions does not count toward it. Last evaluated 2025-09-28.

Conditions:
Jeune thoracic dystrophy. Also called: Short-rib thoracic dysplasia; Jeune syndrome; Infantile thoracic dystrophy; Thoracic pelvic phalangeal dystrophy; Jeune's syndrome; Chondroectodermal dysplasia-like syndrome. Identifiers: Orphanet 474, MedGen C0265275, MONDO:0018770.
Nephronophthisis. Also called: Juvenile Nephronophthisis. Identifiers: Orphanet 655, MedGen C0687120, MONDO:0019005, HP:0000090.
TTC21B-related disorder. Also called: TTC21B-related disorders; TTC21B-related condition.

Allele frequency attached by ClinVar (database versions not stated): gnomAD exomes 0.00005 and 0.00012; TOPMed 0.00006; ExAC 0.00007; ESP Exome Variant Server 0.00008; gnomAD 0.00008 and 0.00009.
gnomAD v4.1: 191 of 1,614,008 alleles (0.012%); highest among the groups gnomAD compares: Non-Finnish European, 0.016%; no homozygotes.

Submissions (3):

Labcorp Genetics (formerly Invitae), Labcorp
Classification: Likely benign for Jeune thoracic dystrophy; Nephronophthisis. Last evaluated: 2025-09-28. Review status: criteria provided, single submitter. Criteria: Invitae Variant Classification Sherloc (09022015). Collection method: clinical testing. Allele origin: germline.

Blueprint Genetics
Classification: Likely benign. Last evaluated: 2024-10-17. Review status: criteria provided, single submitter. Criteria: ACMG Guidelines, 2015. Collection method: clinical testing. Allele origin: germline.

PreventionGenetics, part of Exact Sciences
Classification: Likely benign for TTC21B-related condition. Last evaluated: 2021-03-04. Review status: no assertion criteria provided. Collection method: clinical testing. Allele origin: germline. Not counted in ClinVar's aggregate classification.
Comment: This variant is classified as likely benign based on ACMG/AMP sequence variant interpretation guidelines (Richards et al. 2015 PMID: 25741868, with internal and published modifications).